The following is an entry in ClinVar:

ClinVar aggregate classification (germline): Likely benign (0 of 4 stars; one submission).

Conditions:
CTTNBP2-related disorder. Also called: CTTNBP2-related condition.

Allele frequency attached by ClinVar (database versions not stated): gnomAD exomes 0.00005; ExAC 0.00013; 1000 Genomes Project 30x 0.00031; ESP Exome Variant Server 0.00031; 1000 Genomes Project 0.00040; gnomAD 0.00042; TOPMed 0.00043.
gnomAD v4.1: 132 of 1,614,210 alleles (0.0082%); highest among the groups gnomAD compares: African/African-American, 0.13%; no homozygotes.

Submission:

PreventionGenetics, part of Exact Sciences
Classification: Likely benign for CTTNBP2-related condition. Last evaluated: 2024-02-13. Review status: no assertion criteria provided. Collection method: clinical testing. Allele origin: germline.
Comment: This variant is classified as likely benign based on ACMG/AMP sequence variant interpretation guidelines (Richards et al. 2015 PMID: 25741868, with internal and published modifications).

NM_033427.3(CTTNBP2):c.1779A>G (p.Gln593=)

Gene: CTTNBP2 (cortactin binding protein 2; minus strand). Cytogenetic location: 7q31.31.
Variant type: single nucleotide variant.
Coding change: c.1779A>G on transcript NM_033427.3 (MANE Select); coding-DNA position 1779, A replaced by G.
Protein change: p.Gln593=; no amino-acid change (glutamine 593 retained).
Molecular consequence: synonymous variant. On other transcripts: 5 prime UTR variant (2).
Genome position (GRCh38, 1-based): chr7:117,791,417, T>C on the plus strand (A>G on the coding strand, the complement: CTTNBP2 is on the minus strand). VCF-style: chr7-117791417-T-C. GRCh37 (hg19) VCF-style: chr7-117431471-T-C.
Other names: c.1725A>G, p.Gln575= (NM_001363349.1); c.-156A>G (NM_001363350.1, NM_001363351.1).
Identifiers: ClinVar variation 3035497 (VCV003035497.2), dbSNP rs140806793, ClinGen allele CA4452652.